The following is an entry in ClinVar:

NM_001379500.1(COL18A1):c.3279del (p.Val1094fs)

Genes: COL18A1 (collagen type XVIII alpha 1 chain; plus strand), SLC19A1 (solute carrier family 19 member 1; minus strand). Cytogenetic location: 21q22.3.
Variant type: Deletion.
Coding change: c.3279del on transcript NM_001379500.1 (MANE Select); coding-DNA position 3279, one base deleted (C; older notation c.3279delC).
Protein change: p.Val1094fs; shifts the reading frame from valine 1094.
Molecular consequence: frameshift variant.
Genome position (GRCh38, 1-based): chr21:45,509,385, C deleted; the last of 6 consecutive C bases (chr21:45,509,380-45,509,385); deleting any one gives the same sequence. VCF-style (leftmost placement, unchanged base first): chr21-45509379-GC-G. GRCh37 (hg19) VCF-style: chr21-46929293-GC-G.
Other names: c.3810del, p.Val1271fs (NM_030582.4); c.4515del, p.Val1506fs (NM_130444.3); short protein forms V1094fs, V1506fs, V1271fs.
Identifiers: ClinVar variation 1406673 (VCV001406673.6), dbSNP rs1344008575, ClinGen allele CA410500581.

ClinVar aggregate classification (germline): Pathogenic (1 of 4 stars; one submission).

Submission:

Labcorp Genetics (formerly Invitae), Labcorp
Classification: Pathogenic. Last evaluated: 2022-08-10. Review status: criteria provided, single submitter. Criteria: Invitae Variant Classification Sherloc (09022015). Collection method: clinical testing. Allele origin: germline.
Comment: For these reasons, this variant has been classified as Pathogenic. ClinVar contains an entry for this variant (Variation ID: 1406673). This variant has not been reported in the literature in individuals affected with COL18A1-related conditions. This variant is not present in population databases (gnomAD no frequency). This sequence change creates a premature translational stop signal (p.Val1091Trpfs*157) in the COL18A1 gene. It is expected to result in an absent or disrupted protein product. Loss-of-function variants in COL18A1 are known to be pathogenic (PMID: 12415512, 25456301).

Literature cited by the submitters: PubMed 12415512; PubMed 25456301.